The following is an entry in ClinVar:

ClinVar aggregate classification (germline): Benign (1 of 4 stars; one submission).

Allele frequency attached by ClinVar (database versions not stated): 1000 Genomes Project 30x 0.97611; TOPMed 0.97789; 1000 Genomes Project 0.97843; gnomAD 0.97977 and 0.98101.
gnomAD v4.1: 149,418 of 152,278 alleles (98%); highest among the groups gnomAD compares: Middle Eastern, 100%; 73,367 homozygotes.

Submission:

GeneDx
Classification: Benign. Last evaluated: 2018-06-14. Review status: criteria provided, single submitter. Criteria: GeneDx Variant Classification (06012015). Collection method: clinical testing. Allele origin: germline. Affected: yes.
Comment: This variant is considered likely benign or benign based on one or more of the following criteria: it is a conservative change, it occurs at a poorly conserved position in the protein, it is predicted to be benign by multiple in silico algorithms, and/or has population frequency not consistent with disease.

NM_213649.2(SFXN4):c.818+244G>C

Gene: SFXN4 (sideroflexin 4; minus strand). Cytogenetic location: 10q26.11.
Variant type: single nucleotide variant.
Coding change: c.818+244G>C on transcript NM_213649.2 (MANE Select); 244 bases into the intron after coding-DNA position 818, G replaced by C.
Molecular consequence: intron variant.
Genome position (GRCh38, 1-based): chr10:119,147,531, C>G on the plus strand (G>C on the coding strand, the complement: SFXN4 is on the minus strand). VCF-style: chr10-119147531-C-G. GRCh37 (hg19) VCF-style: chr10-120907043-C-G.
Identifiers: ClinVar variation 683832 (VCV000683832.1), dbSNP rs7095991, ClinGen allele CA214166114.